The following is an entry in ClinVar:

NM_000685.5(AGTR1):c.584T>C (p.Leu195Pro)

Gene: AGTR1 (angiotensin II receptor type 1; plus strand). Cytogenetic location: 3q24.
Variant type: single nucleotide variant.
Coding change: c.584T>C on transcript NM_000685.5 (MANE Select); coding-DNA position 584, T replaced by C.
Protein change: p.Leu195Pro; replaces leucine 195 with proline.
Molecular consequence: missense variant.
Genome position (GRCh38, 1-based): chr3:148,741,619, T>C. VCF-style: chr3-148741619-T-C. GRCh37 (hg19) VCF-style: chr3-148459406-T-C.
Other names: c.584T>C, p.Leu195Pro (NM_001382736.1, NM_001382737.1, NM_004835.5 and 3 more transcripts); short protein forms L195P.
Identifiers: ClinVar variation 1928694 (VCV001928694.5), dbSNP rs2472793958, ClinGen allele CA354888162.

ClinVar aggregate classification (germline): Uncertain significance (1 of 4 stars; one submission).

Allele frequency attached by ClinVar (database versions not stated): gnomAD exomes 0.00001.
gnomAD v4.1: 8 of 1,614,146 alleles (0.0005%); highest among the groups gnomAD compares: Admixed American, 0.0017%; no homozygotes.

Submission:

Labcorp Genetics (formerly Invitae), Labcorp
Classification: Uncertain significance. Last evaluated: 2023-12-11. Review status: criteria provided, single submitter. Criteria: Invitae Variant Classification Sherloc (09022015). Collection method: clinical testing. Allele origin: germline.
Comment: This sequence change replaces leucine, which is neutral and non-polar, with proline, which is neutral and non-polar, at codon 230 of the AGTR1 protein (p.Leu230Pro). This variant is not present in population databases (gnomAD no frequency). This variant has not been reported in the literature in individuals affected with AGTR1-related conditions. ClinVar contains an entry for this variant (Variation ID: 1928694). Experimental studies and prediction algorithms are not available or were not evaluated, and the functional significance of this variant is currently unknown. In summary, the available evidence is currently insufficient to determine the role of this variant in disease. Therefore, it has been classified as a Variant of Uncertain Significance.